The following is an entry in ClinVar:

ClinVar aggregate classification (germline): Uncertain significance (1 of 4 stars; one submission).

Allele frequency attached by ClinVar (database versions not stated): gnomAD 0.00001; gnomAD exomes 0.00001; TOPMed 0.00001; ExAC 0.00002.

Submission:

Labcorp Genetics (formerly Invitae), Labcorp
Classification: Uncertain significance. Last evaluated: 2025-06-29. Review status: criteria provided, single submitter. Criteria: Invitae Variant Classification Sherloc (09022015). Collection method: clinical testing. Allele origin: germline.
Comment: This sequence change replaces histidine, which is basic and polar, with arginine, which is basic and polar, at codon 290 of the SUCO protein (p.His290Arg). The frequency data for this variant in the population databases is considered unreliable, as metrics indicate poor data quality at this position in the gnomAD database. This variant has not been reported in the literature in individuals affected with SUCO-related conditions. ClinVar contains an entry for this variant (Variation ID: 1945701). An algorithm developed to predict the effect of missense changes on protein structure and function (PolyPhen-2) suggests that this variant is likely to be disruptive. In summary, the available evidence is currently insufficient to determine the role of this variant in disease. Therefore, it has been classified as a Variant of Uncertain Significance.

NM_014283.5(SUCO):c.869A>G (p.His290Arg)

Gene: SUCO (SUN domain containing ossification factor; plus strand). Cytogenetic location: 1q24.3.
Variant type: single nucleotide variant.
Coding change: c.869A>G on transcript NM_014283.5 (MANE Select); coding-DNA position 869, A replaced by G.
Protein change: p.His290Arg; replaces histidine 290 with arginine.
Molecular consequence: missense variant. On other transcripts: 5 prime UTR variant (1).
Genome position (GRCh38, 1-based): chr1:172,570,059, A>G. VCF-style: chr1-172570059-A-G. GRCh37 (hg19) VCF-style: chr1-172539199-A-G.
Other names: c.758A>G, p.His253Arg (NM_001282750.2); c.-661A>G (NM_001282751.2); c.1343A>G, p.His448Arg (NM_016227.4); short protein forms H253R, H290R, H448R.
Identifiers: ClinVar variation 1945701 (VCV001945701.5), dbSNP rs753571462, ClinGen allele CA1246673.